The following is an entry in ClinVar:

NM_004260.4(RECQL4):c.1925C>G (p.Ala642Gly)

Gene: RECQL4 (RecQ like helicase 4; minus strand). Cytogenetic location: 8q24.3.
Variant type: single nucleotide variant.
Coding change: c.1925C>G on transcript NM_004260.4 (MANE Select); coding-DNA position 1925, C replaced by G.
Protein change: p.Ala642Gly; replaces alanine 642 with glycine.
Molecular consequence: missense variant.
Genome position (GRCh38, 1-based): chr8:144,514,061, G>C on the plus strand (C>G on the coding strand, the complement: RECQL4 is on the minus strand). VCF-style: chr8-144514061-G-C. GRCh37 (hg19) VCF-style: chr8-145739445-G-C.
Other names: short protein forms A642G.
Identifiers: ClinVar variation 1380493 (VCV001380493.6), dbSNP rs1338105623, ClinGen allele CA372680474.

ClinVar aggregate classification (germline): Uncertain significance (1 of 4 stars; one submission).

Conditions:
Baller-Gerold syndrome (BGS). Also called: CRANIOSYNOSTOSIS WITH RADIAL DEFECTS. Identifiers: Orphanet 1225, MedGen C0265308, MONDO:0009039, OMIM 218600.

Allele frequency attached by ClinVar (database versions not stated): gnomAD exomes below 0.00001 and 0.00001.
gnomAD v4.1: 1 of 1,587,610 alleles (0.000063%); highest among the groups gnomAD compares: East Asian, 0.0023%; no homozygotes.

Submission:

Labcorp Genetics (formerly Invitae), Labcorp
Classification: Uncertain significance for Baller-Gerold syndrome. Last evaluated: 2024-04-08. Review status: criteria provided, single submitter. Criteria: Invitae Variant Classification Sherloc (09022015). Collection method: clinical testing. Allele origin: germline.
Comment: This sequence change replaces alanine, which is neutral and non-polar, with glycine, which is neutral and non-polar, at codon 642 of the RECQL4 protein (p.Ala642Gly). This variant is present in population databases (no rsID available, gnomAD 0.007%). This variant has not been reported in the literature in individuals affected with RECQL4-related conditions. ClinVar contains an entry for this variant (Variation ID: 1380493). Advanced modeling of protein sequence and biophysical properties (such as structural, functional, and spatial information, amino acid conservation, physicochemical variation, residue mobility, and thermodynamic stability) performed at Invitae indicates that this missense variant is expected to disrupt RECQL4 protein function with a positive predictive value of 80%. In summary, the available evidence is currently insufficient to determine the role of this variant in disease. Therefore, it has been classified as a Variant of Uncertain Significance.